The following is an entry in ClinVar:

ClinVar aggregate classification (germline): Pathogenic (1 of 4 stars; one submission).

Conditions:
Hereditary cancer-predisposing syndrome. Also called: Hereditary Cancer Syndrome; Hereditary neoplastic syndrome; Neoplastic Syndromes, Hereditary; Tumor predisposition. Identifiers: Orphanet 140162, MedGen C0027672, MeSH D009386, MONDO:0015356.

Submission:

Ambry Genetics
Classification: Pathogenic for Hereditary cancer-predisposing syndrome. Last evaluated: 2025-08-07. Review status: criteria provided, single submitter. Criteria: Ambry Variant Classification Scheme 2023. Collection method: clinical testing. Allele origin: germline.
Comment: The c.1293_1300+19del27 pathogenic mutation results from a deletion of 27 nucleotides between positions 1293 and 1300+19 and involves the canonical splice donor site after coding exon 8 of the FLCN gene. This variant is considered to be rare based on population cohorts in the Genome Aggregation Database (gnomAD). The canonical splice donor site is highly conserved in available vertebrate species. In silico splice site analysis predicts that this alteration will weaken the native splice donor site. Alterations that disrupt the canonical splice site are expected to cause aberrant splicing, resulting in an abnormal protein or a transcript that is subject to nonsense-mediated mRNA decay. As such, this alteration is interpreted as a disease-causing mutation.

NM_144997.7(FLCN):c.1293_1300+19del

Gene: FLCN (folliculin; minus strand). Cytogenetic location: 17p11.2.
Variant type: Deletion.
Coding change: c.1293_1300+19del on transcript NM_144997.7 (MANE Select); coding-DNA position 1293 through 19 bases into the intron after coding-DNA position 1300, 27 bases deleted (CTCCTCAGGTGCGTGCCCCCGCGGGCT).
Molecular consequence: splice donor variant.
Genome position (GRCh38, 1-based): chr17:17,216,361-17,216,387, AGCCCGCGGGGGCACGCACCTGAGGAG deleted on the plus strand (CTCCTCAGGTGCGTGCCCCCGCGGGCT on the coding strand, the reverse complement: FLCN is on the minus strand); deleting any 27 consecutive bases within chr17:17,216,361-17,216,390 gives the same sequence; the c. name uses the placement nearest the transcript's 3' end. VCF-style (leftmost placement, unchanged base first): chr17-17216360-CAGCCCGCGGGGGCACGCACCTGAGGAG-C. GRCh37 (hg19) VCF-style: chr17-17119674-CAGCCCGCGGGGGCACGCACCTGAGGAG-C.
Other names: c.1293_1300+19del (NM_001353231.2, NM_001353230.2); c.1347_1354+19del (NM_001353229.2).
Identifiers: ClinVar variation 1769146 (VCV001769146.3), dbSNP rs2544160435, ClinGen allele CA2580092715.